The following is an entry in ClinVar:

NM_000257.4(MYH7):c.2710C>A (p.Arg904Ser)

Gene: MYH7 (myosin heavy chain 7; minus strand). Cytogenetic location: 14q11.2.
Variant type: single nucleotide variant.
Coding change: c.2710C>A on transcript NM_000257.4 (MANE Select); coding-DNA position 2710, C replaced by A.
Protein change: p.Arg904Ser; replaces arginine 904 with serine.
Molecular consequence: missense variant.
Genome position (GRCh38, 1-based): chr14:23,424,119, G>T on the plus strand (C>A on the coding strand, the complement: MYH7 is on the minus strand). VCF-style: chr14-23424119-G-T. GRCh37 (hg19) VCF-style: chr14-23893328-G-T.
Other names: c.2710C>A, p.Arg904Ser (NM_001407004.1); short protein forms R904S.
Identifiers: ClinVar variation 2793440 (VCV002793440.3), dbSNP rs727503253, ClinGen allele CA389047311.

ClinVar aggregate classification (germline): Likely pathogenic (1 of 4 stars; one submission).

Conditions:
Hypertrophic cardiomyopathy. Also called: HYPERTROPHIC MYOCARDIOPATHY. Identifiers: Orphanet 217569, MedGen C0007194, MeSH D002312, MONDO:0005045, HP:0001639.

Submission:

Labcorp Genetics (formerly Invitae), Labcorp
Classification: Likely pathogenic for Hypertrophic cardiomyopathy. Last evaluated: 2023-10-06. Review status: criteria provided, single submitter. Criteria: Invitae Variant Classification Sherloc (09022015). Collection method: clinical testing. Allele origin: germline.
Comment: This sequence change replaces arginine, which is basic and polar, with serine, which is neutral and polar, at codon 904 of the MYH7 protein (p.Arg904Ser). This variant is not present in population databases (gnomAD no frequency). This missense change has been observed in individual(s) with dilated cardiomyopathy (Invitae). Advanced modeling of protein sequence and biophysical properties (such as structural, functional, and spatial information, amino acid conservation, physicochemical variation, residue mobility, and thermodynamic stability) performed at Invitae indicates that this missense variant is expected to disrupt MYH7 protein function. This variant disrupts the p.Arg904 amino acid residue in MYH7. Other variant(s) that disrupt this residue have been determined to be pathogenic (PMID: 20573160, 23349452, 28855170, 29212898, 29447731; Invitae). This suggests that this residue is clinically significant, and that variants that disrupt this residue are likely to be disease-causing. In summary, the currently available evidence indicates that the variant is pathogenic, but additional data are needed to prove that conclusively. Therefore, this variant has been classified as Likely Pathogenic.

Literature cited by the submitters: PubMed 20573160; PubMed 23349452; PubMed 28855170; PubMed 29212898; PubMed 29447731.